The following is an entry in ClinVar:

ClinVar aggregate classification (germline): Uncertain significance (1 of 4 stars; one submission).

Conditions:
Febrile seizures, familial, 8 (FEB8). Also called: CONVULSIONS, FAMILIAL FEBRILE, 8. Identifiers: Orphanet 36387, MedGen C1969810, MONDO:0011891, OMIM 607681.
EPILEPSY, CHILDHOOD ABSENCE, SUSCEPTIBILITY TO, 2 (ECA2). Identifiers: Orphanet 64280, MedGen C1843244, OMIM 607681.

Submission:

Labcorp Genetics (formerly Invitae), Labcorp
Classification: Uncertain significance for Febrile seizures, familial, 8; EPILEPSY, CHILDHOOD ABSENCE, SUSCEPTIBILITY TO, 2. Last evaluated: 2023-10-13. Review status: criteria provided, single submitter. Criteria: Invitae Variant Classification Sherloc (09022015). Collection method: clinical testing. Allele origin: germline.
Comment: This sequence change replaces aspartic acid, which is acidic and polar, with glutamic acid, which is acidic and polar, at codon 149 of the GABRG2 protein (p.Asp149Glu). This variant is not present in population databases (gnomAD no frequency). This variant has not been reported in the literature in individuals affected with GABRG2-related conditions. ClinVar contains an entry for this variant (Variation ID: 1021701). Advanced modeling of protein sequence and biophysical properties (such as structural, functional, and spatial information, amino acid conservation, physicochemical variation, residue mobility, and thermodynamic stability) performed at Invitae indicates that this missense variant is expected to disrupt GABRG2 protein function. In summary, the available evidence is currently insufficient to determine the role of this variant in disease. Therefore, it has been classified as a Variant of Uncertain Significance.

NM_198904.4(GABRG2):c.447C>A (p.Asp149Glu)

Gene: GABRG2 (gamma-aminobutyric acid type A receptor subunit gamma2; plus strand). Cytogenetic location: 5q34.
Variant type: single nucleotide variant.
Coding change: c.447C>A on transcript NM_198904.4 (MANE Select); coding-DNA position 447, C replaced by A.
Protein change: p.Asp149Glu; replaces aspartic acid 149 with glutamic acid.
Molecular consequence: missense variant.
Genome position (GRCh38, 1-based): chr5:162,097,757, C>A. VCF-style: chr5-162097757-C-A. GRCh37 (hg19) VCF-style: chr5-161524763-C-A.
Other names: c.447C>A, p.Asp149Glu (NM_000816.3, NM_001375340.1, NM_001375341.1 and 4 more transcripts); c.438C>A, p.Asp146Glu (NM_001375339.1); c.381C>A, p.Asp127Glu (NM_001375345.1, NM_001375346.1); c.360C>A, p.Asp120Glu (NM_001375347.1); c.27C>A, p.Asp9Glu (NM_001375348.1, NM_001375350.1); c.162C>A, p.Asp54Glu (NM_001375349.1); short protein forms D120E, D127E, D146E, D149E, D54E, D9E.
Identifiers: ClinVar variation 1021701 (VCV001021701.9), dbSNP rs1761106635, ClinGen allele CA362184203.